The following is an entry in ClinVar:

NM_005228.5(EGFR):c.2611G>C (p.Ala871Pro)

Gene: EGFR (epidermal growth factor receptor; plus strand). Cytogenetic location: 7p11.2.
Variant type: single nucleotide variant.
Coding change: c.2611G>C on transcript NM_005228.5 (MANE Select); coding-DNA position 2611, G replaced by C.
Protein change: p.Ala871Pro; replaces alanine 871 with proline.
Molecular consequence: missense variant.
Genome position (GRCh38, 1-based): chr7:55,191,860, G>C. VCF-style: chr7-55191860-G-C. GRCh37 (hg19) VCF-style: chr7-55259553-G-C.
Other names: c.2476G>C, p.Ala826Pro (NM_001346897.2, NM_001346899.2); c.2611G>C, p.Ala871Pro (NM_001346898.2); c.2452G>C, p.Ala818Pro (NM_001346900.2); c.1810G>C, p.Ala604Pro (NM_001346941.2); short protein forms A604P, A818P, A826P, A871P.
Identifiers: ClinVar variation 4824476 (VCV004824476.1).

ClinVar aggregate classification (germline): Uncertain significance (1 of 4 stars; one submission).

Conditions:
Hereditary cancer-predisposing syndrome. Also called: Neoplastic Syndromes, Hereditary; Hereditary neoplastic syndrome; Tumor predisposition; Hereditary Cancer Syndrome. Identifiers: Orphanet 140162, MedGen C0027672, MeSH D009386, MONDO:0015356.

Submission:

Ambry Genetics
Classification: Uncertain significance for Hereditary cancer-predisposing syndrome. Last evaluated: 2026-02-10. Review status: criteria provided, single submitter. Criteria: Ambry Variant Classification Scheme 2023. Collection method: clinical testing. Allele origin: germline.
Comment: The p.A871P variant (also known as c.2611G>C), located in coding exon 21 of the EGFR gene, results from a G to C substitution at nucleotide position 2611. The alanine at codon 871 is replaced by proline, an amino acid with highly similar properties. This amino acid position is highly conserved in available vertebrate species. In addition, this alteration is predicted to be deleterious by in silico analysis. Based on the available evidence, the clinical significance of this variant remains unclear.